The following is an entry in ClinVar:

NM_006311.4(NCOR1):c.7264C>T (p.Arg2422Ter)

Genes: NCOR1 (nuclear receptor corepressor 1; minus strand), TTC19 (tetratricopeptide repeat domain 19; plus strand). Cytogenetic location: 17p12.
Variant type: single nucleotide variant.
Coding change: c.7264C>T on transcript NM_006311.4 (MANE Select); coding-DNA position 7264, C replaced by T.
Protein change: p.Arg2422Ter; replaces arginine 2422 with a stop codon.
Molecular consequence: nonsense.
Genome position (GRCh38, 1-based): chr17:16,032,355, G>A on the plus strand (C>T on the coding strand, the complement: NCOR1 is on the minus strand). VCF-style: chr17-16032355-G-A. GRCh37 (hg19) VCF-style: chr17-15935669-G-A.
Other names: c.6955C>T, p.Arg2319Ter (NM_001190440.2); c.7486C>T, p.Arg2496Ter (NM_001439111.1); c.7342C>T, p.Arg2448Ter (NM_001439112.1); c.7336C>T, p.Arg2446Ter (NM_001439113.1); c.7315C>T, p.Arg2439Ter (NM_001439114.1); c.7312C>T, p.Arg2438Ter (NM_001439115.1); c.7267C>T, p.Arg2423Ter (NM_001439116.1); short protein forms R2319*, R2422*, R2423*, R2438*, R2439*, R2446*, R2448*, R2496*.
Identifiers: ClinVar variation 4530446 (VCV004530446.1).

ClinVar aggregate classification (somatic clinical impact): Tier II - Potential (1 of 4 stars; one submission).

Conditions:
Clear cell adenocarcinoma. Identifiers: MedGen C0206681, MONDO:0005004.

gnomAD v4.1: 1 of 1,614,024 alleles (0.000062%); highest among the groups gnomAD compares: Non-Finnish European, 0.000085%; no homozygotes.

Submission:

Institute for Genomic Medicine (IGM) Clinical Laboratory, Nationwide Children's Hospital
Classification: Tier II - Potential for Clear cell adenocarcinoma. Assertion type: diagnostic. Clinical significance: supports diagnosis. Last evaluated: 2023-07-14. Review status: criteria provided, single submitter. Criteria: AMP/ASCO/CAP Guidelines, 2017. Collection method: clinical testing. Allele origin: somatic. Affected: yes.
Comment: Variant has Tier II (potential) clinical significance as a diagnostic inclusion criterion in clear cell adenocarcinoma, based on the following evidence: 1) Assists in diagnosis alone or along with other biomarkers based on small studies or few case reports (Evidence Level D; PMIDs: 21822268, 22885379, 33763074).

Literature cited by the submitters: PubMed 21822268; PubMed 22885379; PubMed 33763074.